The following is an entry in ClinVar:

ClinVar aggregate classification (germline): Pathogenic (1 of 4 stars; one submission).

Conditions:
Wolcott-Rallison dysplasia. Also called: Wolcott-Rallison syndrome; MED-IDDM SYNDROME. Identifiers: Orphanet 1667, MedGen C0432217, MONDO:0009192, OMIM 226980.

Submission:

Fulgent Genetics
Classification: Pathogenic for Wolcott-Rallison dysplasia. Last evaluated: 2021-06-30. Review status: criteria provided, single submitter. Criteria: ACMG Guidelines, 2015. Collection method: clinical testing. Allele origin: unknown.
Comment: This variant has been detected in individual(s) who were sent for testing of Renasight - kidney gene panel.

NM_004836.7(EIF2AK3):c.1936_1958del (p.Leu646fs)

Gene: EIF2AK3 (eukaryotic translation initiation factor 2 alpha kinase 3; minus strand). Cytogenetic location: 2p11.2.
Variant type: Deletion.
Coding change: c.1936_1958del on transcript NM_004836.7 (MANE Select); coding-DNA positions 1936 to 1958, 23 bases deleted (CTTGAACACCCGGGCATTGTTAG).
Protein change: p.Leu646fs; shifts the reading frame from leucine 646.
Molecular consequence: frameshift variant.
Genome position (GRCh38, 1-based): chr2:88,576,632-88,576,654, CTAACAATGCCCGGGTGTTCAAG deleted on the plus strand (CTTGAACACCCGGGCATTGTTAG on the coding strand, the reverse complement: EIF2AK3 is on the minus strand); deleting any 23 consecutive bases within chr2:88,576,632-88,576,656 gives the same sequence; the c. name uses the placement nearest the transcript's 3' end. VCF-style (leftmost placement, unchanged base first): chr2-88576631-TCTAACAATGCCCGGGTGTTCAAG-T. GRCh37 (hg19) VCF-style: chr2-88876149-TCTAACAATGCCCGGGTGTTCAAG-T.
Other names: c.1483_1505del, p.Leu495fs (NM_001313915.2); short protein forms L495fs, L646fs.
Identifiers: ClinVar variation 1179141 (VCV001179141.2), dbSNP rs2104414335, ClinGen allele CA2499216294.
Genomic context (GRCh38, chr2:88,576,631, plus strand): 5'-AATTTCATCCATCTTTTCTTGCCACTTCTCTGGTGGTGCTTCGAGCCAGGCATTGAAATA[TCTAACAATGCCCGGGTGTTCAAG>T]CTTGGCTAAGGCTTTAACTTCTCGCATTACCTTTTCCCGAGCCAATTCCCTGAAAGAGAG-3'